The following is an entry in ClinVar:

ClinVar aggregate classification (germline): Uncertain significance (1 of 4 stars; one submission).

Conditions:
Hypohidrotic X-linked ectodermal dysplasia (XHED). Also called: ECTODERMAL DYSPLASIA, HYPOHIDROTIC, 1; CST SYNDROME; ECTODERMAL DYSPLASIA 1; Ectodermal Dysplasia 1, Anhidrotic; Anhidrotic ectodermal dysplasia X-linked; Christ Siemens Touraine syndrome. Identifiers: Orphanet 181, Orphanet 238468, MedGen C0162359, MONDO:0010585, OMIM 305100.

Submissions (2):

3billion
Classification: Uncertain significance for Hypohidrotic X-linked ectodermal dysplasia. Last evaluated: 2025-07-30. Review status: criteria provided, single submitter. Criteria: ACMG Guidelines, 2015. Collection method: clinical testing. Allele origin: germline. Affected: yes.
Comment: The variant is not observed in the gnomAD v4.1.0 dataset. Predicted Consequence/Location: Missense variant In silico tool predictions suggest damaging effect of the variant on gene or gene product [REVEL: 0.95 (>=0.6, sensitivity 0.68 and specificity 0.92); 3Cnet: 0.99 (> 0.75, sensitivity 0.96 and precision 0.92)]. Different missense changes at the same codon (p.Gly218Ala, p.Gly218Asp, p.Gly218Val) have been reported to be associated with EDA-related disorder (PMID: 11279189, 31796081, 38129747). However the evidence of pathogenicity is insufficient at this time. Therefore, this variant is classified as VUS according to the recommendation of ACMG/AMP guideline.

Dr. Peter K. Rogan Lab, Western University
No classification provided (evidence only). Condition: Thyroid cancer, nonmedullary, 1. Review status: no classification provided. Collection method: in vitro. Allele origin: not applicable. Functional consequence: retained intron. Not counted in ClinVar's aggregate classification.

Literature cited by the submitters: PubMed 11279189 (cited by 3billion).

NM_001399.5(EDA):c.652G>T (p.Gly218Cys)

Gene: EDA (ectodysplasin A; plus strand). Cytogenetic location: Xq13.1.
Variant type: single nucleotide variant.
Coding change: c.652G>T on transcript NM_001399.5 (MANE Select); coding-DNA position 652, G replaced by T.
Protein change: p.Gly218Cys; replaces glycine 218 with cysteine.
Molecular consequence: missense variant.
Genome position (GRCh38, 1-based): chrX:70,027,982, G>T. VCF-style: chrX-70027982-G-T. GRCh37 (hg19) VCF-style: chrX-69247832-G-T.
Other names: NC_000023.10:g.69247832G>T; c.652G>T, p.Gly218Cys (NM_001005609.2, NM_001005612.3, NM_001440761.1 and 1 more transcripts); short protein forms G218C.
Identifiers: ClinVar variation 4495864 (VCV004495864.2).